The following is an entry in ClinVar:

ClinVar aggregate classification (germline): Uncertain significance (1 of 4 stars; one submission).

Submission:

GeneDx
Classification: Uncertain significance. Last evaluated: 2025-06-24. Review status: criteria provided, single submitter. Criteria: GeneDx Variant Classification Process June 2021. Collection method: clinical testing. Allele origin: germline. Affected: yes.
Comment: Not observed at significant frequency in large population cohorts (gnomAD); Frameshift variant predicted to result in protein truncation or nonsense mediated decay in a gene or region of a gene for which loss of function is not a well-established mechanism of disease; Has not been previously published as pathogenic or benign to our knowledge

NM_001267550.2(TTN):c.17663_17666del (p.Lys5888fs)

Genes: TTN (titin; minus strand), LOC126806431 (CDK7 strongly-dependent group 2 enhancer GRCh37_chr2:179595719-179596918; plus strand). Cytogenetic location: 2q31.2.
Variant type: Microsatellite.
Coding change: c.17663_17666del on transcript NM_001267550.2 (MANE Select); coding-DNA positions 17663 to 17666, 4 bases deleted (AAGA; older notation c.17663_17666delAAGA).
Protein change: p.Lys5888fs; shifts the reading frame from lysine 5888.
Molecular consequence: frameshift variant. On other transcripts: intron variant (3).
Genome position (GRCh38, 1-based): chr2:178,730,999-178,731,002, TCTT deleted on the plus strand (AAGA on the coding strand, the reverse complement: TTN is on the minus strand); deleting any 4 consecutive bases within chr2:178,730,999-178,731,007 gives the same sequence; the c. name uses the placement nearest the transcript's 3' end. VCF-style (leftmost placement, unchanged base first): chr2-178730998-ATCTT-A. GRCh37 (hg19) VCF-style: chr2-179595725-ATCTT-A.
Other names: c.13931_13934del, p.Lys4644fs (NM_133378.4); c.13282+7080_13282+7083del (NM_003319.4); c.13858+7080_13858+7083del (NM_133437.4); c.13657+7080_13657+7083del (NM_133432.3); c.16712_16715del, p.Lys5571fs (NM_001256850.1); c.17658_17661AAAG[1], p.Lys5888Ilefs (NM_001267550.1); c.17663_17666del (NM_001267550.1); short protein forms K4644fs, K5571fs, K5888fs.
Identifiers: ClinVar variation 4540077 (VCV004540077.1).